The following is an entry in ClinVar:

ClinVar aggregate classification (germline): Likely benign. Review status: criteria provided, multiple submitters, no conflicts (2 of 4 stars). 2 submissions from 2 submitters: Likely benign (2). Last evaluated 2024-09-01.

Allele frequency attached by ClinVar (database versions not stated): gnomAD 0.00013 and 0.00014; ExAC 0.00018; gnomAD exomes 0.00018 and 0.00027; TOPMed 0.00019; ESP Exome Variant Server 0.00038.

Submissions (2):

CeGaT Center for Human Genetics Tuebingen
Classification: Likely benign. Last evaluated: 2024-09-01. Review status: criteria provided, single submitter. Criteria: CeGaT Center For Human Genetics Tuebingen Variant Classification Criteria Version 2. Collection method: clinical testing. Allele origin: germline. Affected: yes. Observed: 2 variant alleles.
Comment: ADCY6: BP4, BP7

Labcorp Genetics (formerly Invitae), Labcorp
Classification: Likely benign. Last evaluated: 2019-12-31. Review status: criteria provided, single submitter. Criteria: Invitae Variant Classification Sherloc (09022015). Collection method: clinical testing. Allele origin: germline.

NM_015270.5(ADCY6):c.354C>T (p.Cys118=)

Gene: ADCY6 (adenylate cyclase 6; minus strand). Cytogenetic location: 12q13.12.
Variant type: single nucleotide variant.
Coding change: c.354C>T on transcript NM_015270.5 (MANE Select); coding-DNA position 354, C replaced by T.
Protein change: p.Cys118=; no amino-acid change (cysteine 118 retained).
Molecular consequence: synonymous variant.
Genome position (GRCh38, 1-based): chr12:48,783,081, G>A on the plus strand (C>T on the coding strand, the complement: ADCY6 is on the minus strand). VCF-style: chr12-48783081-G-A. GRCh37 (hg19) VCF-style: chr12-49176864-G-A.
Identifiers: ClinVar variation 755679 (VCV000755679.28), dbSNP rs149512917, ClinGen allele CA6541594.
Genomic context (GRCh38, chr12:48,783,081, plus strand): 5'-GCGCTCCAGCTTGGCCGAACGGAACTGCTTCGACTGGAACACCTGCACCAGACGGCGCCA[G>A]CAGGATCGCCCACTCCTGGGCACCGCGTCGGGCGCCACCTCAGCCGTCCCGCCCGCTGTC-3'
Protein context (NP_056085.1, residues 108-128): PDAVPRSGRS[Cys118=]WRRLVQVFQS